The following is an entry in ClinVar:

ClinVar aggregate classification (germline): Uncertain significance (1 of 4 stars; one submission).

gnomAD v4.1: 15 of 1,612,144 alleles (0.00093%); highest among the groups gnomAD compares: Non-Finnish European, 0.0013%; no homozygotes.

Submission:

GeneDx
Classification: Uncertain significance. Last evaluated: 2024-05-22. Review status: criteria provided, single submitter. Criteria: GeneDx Variant Classification Process June 2021. Collection method: clinical testing. Allele origin: germline. Affected: yes.
Comment: Not observed at significant frequency in large population cohorts (gnomAD); In silico analysis indicates that this missense variant does not alter protein structure/function; Has not been previously published as pathogenic or benign to our knowledge

NM_001127222.2(CACNA1A):c.122A>T (p.Gln41Leu)

Gene: CACNA1A (calcium voltage-gated channel subunit alpha1 A; minus strand). Cytogenetic location: 19p13.13.
Variant type: single nucleotide variant.
Coding change: c.122A>T on transcript NM_001127222.2 (MANE Select); coding-DNA position 122, A replaced by T.
Protein change: p.Gln41Leu; replaces glutamine 41 with leucine.
Molecular consequence: missense variant.
Genome position (GRCh38, 1-based): chr19:13,506,103, T>A on the plus strand (A>T on the coding strand, the complement: CACNA1A is on the minus strand). VCF-style: chr19-13506103-T-A. GRCh37 (hg19) VCF-style: chr19-13616917-T-A.
Other names: c.122A>T, p.Gln41Leu (NM_000068.4, NM_001127221.2, NM_001174080.2 and 1 more transcripts); short protein forms Q41L.
Identifiers: ClinVar variation 3381442 (VCV003381442.1).